The following is an entry in ClinVar:

ClinVar aggregate classification (germline): Uncertain significance. Review status: criteria provided, multiple submitters, no conflicts (2 of 4 stars). 2 submissions from 2 submitters: Uncertain significance (2). Last evaluated 2026-02-25.

Conditions:
Familial thoracic aortic aneurysm and aortic dissection (TAAD). Also called: Thoracic aortic aneurysms and dissections. Identifiers: Orphanet 91387, MedGen C4707243, MONDO:0019625.

gnomAD v4.1: 1 of 1,613,418 alleles (0.000062%); highest among the groups gnomAD compares: Non-Finnish European, 0.000085%; no homozygotes.

Submissions (2):

Women's Health and Genetics/Laboratory Corporation of America, LabCorp
Classification: Uncertain significance. Last evaluated: 2026-02-25. Review status: criteria provided, single submitter. Criteria: LabCorp Variant Classification Summary - May 2015. Collection method: clinical testing. Allele origin: germline.
Comment: Variant summary: COL5A2 c.2500G>T (p.Gly834Cys) results in a non-conservative amino acid change in the encoded protein sequence. Algorithms developed to predict the effect of missense changes on protein structure and function all suggest that this variant is likely to be disruptive. Several computational tools predict a significant impact on normal splicing: Two predict the variant no significant impact on splicing. Three predict the variant weakens a 3' acceptor site. However, these predictions have yet to be confirmed by functional studies. The variant allele was found at a frequency of 4e-06 in 251378 control chromosomes. The available data on variant occurrences in the general population are insufficient to allow any conclusion about variant significance. To our knowledge, no occurrence of c.2500G>T in individuals affected with COL5A2-related conditions and no experimental evidence demonstrating its impact on protein function have been reported. No submitters have cited clinical-significance assessments for this variant to ClinVar. Based on the evidence outlined above, the variant was classified as uncertain significance.

Ambry Genetics
Classification: Uncertain significance for Familial thoracic aortic aneurysm and aortic dissection. Last evaluated: 2026-01-12. Review status: criteria provided, single submitter. Criteria: Ambry Variant Classification Scheme 2023. Collection method: clinical testing. Allele origin: germline.
Comment: The p.G834C variant (also known as c.2500G>T) is located in coding exon 38 of the COL5A2 gene. The glycine at codon 834 is replaced by cysteine, an amino acid with highly dissimilar properties. This change occurs in the first base pair of coding exon 38. This amino acid position is conserved. In addition, this alteration is predicted to be deleterious by in silico analysis. Based on the available evidence, the clinical significance of this variant remains unclear.

NM_000393.5(COL5A2):c.2500G>T (p.Gly834Cys)

Gene: COL5A2 (collagen type V alpha 2 chain; minus strand). Cytogenetic location: 2q32.2.
Variant type: single nucleotide variant.
Coding change: c.2500G>T on transcript NM_000393.5 (MANE Select); coding-DNA position 2500, G replaced by T.
Protein change: p.Gly834Cys; replaces glycine 834 with cysteine.
Molecular consequence: missense variant.
Genome position (GRCh38, 1-based): chr2:189,053,477, C>A on the plus strand (G>T on the coding strand, the complement: COL5A2 is on the minus strand). VCF-style: chr2-189053477-C-A. GRCh37 (hg19) VCF-style: chr2-189918203-C-A.
Other names: short protein forms G834C.
Identifiers: ClinVar variation 4842228 (VCV004842228.2).